The following is an entry in ClinVar:

NM_001199138.2(NLRC4):c.705G>A (p.Met235Ile)

Gene: NLRC4 (NLR family CARD domain containing 4; minus strand). Cytogenetic location: 2p22.3.
Variant type: single nucleotide variant.
Coding change: c.705G>A on transcript NM_001199138.2 (MANE Select); coding-DNA position 705, G replaced by A.
Protein change: p.Met235Ile; replaces methionine 235 with isoleucine.
Molecular consequence: missense variant. On other transcripts: intron variant (1).
Genome position (GRCh38, 1-based): chr2:32,251,159, C>T on the plus strand (G>A on the coding strand, the complement: NLRC4 is on the minus strand). VCF-style: chr2-32251159-C-T. GRCh37 (hg19) VCF-style: chr2-32476228-C-T.
Other names: c.705G>A, p.Met235Ile (NM_001199139.2, NM_021209.5); c.262+1260G>A (NM_001302504.1); short protein forms M235I.
Identifiers: ClinVar variation 2061649 (VCV002061649.4), dbSNP rs2466762804, ClinGen allele CA346514575.
Genomic context (GRCh38, chr2:32,251,159, plus strand): 5'-GGGCTTGAATTCATTGTAGCCATCAAGAAGGAAAAGAACCCTCTGCCGCAGCTTCAGCAG[C>T]ATGGCCATGAATGTCTGCTTCCTGATTGTGCCAGGTATATCCAGGAGTTGATCACAGAGG-3'
Protein context (NP_001186067.1, residues 225-245): GTIRKQTFMA[Met235Ile]LLKLRQRVLF

ClinVar aggregate classification (germline): Uncertain significance (1 of 4 stars; one submission).

Conditions:
Periodic fever-infantile enterocolitis-autoinflammatory syndrome. Also called: Autoinflammation with infantile enterocolitis. Identifiers: Orphanet 436166, MedGen C4015067, MONDO:0014472, OMIM 616050.
Familial cold autoinflammatory syndrome 4 (FCAS4). Identifiers: Orphanet 47045, Orphanet 576349, MedGen C4015276, MONDO:0014498, OMIM 616115.

Allele frequency attached by ClinVar (database versions not stated): gnomAD exomes below 0.00001.
gnomAD v4.1: 2 of 1,614,238 alleles (0.00012%); highest among the groups gnomAD compares: East Asian, 0.0022%; no homozygotes.

Submission:

Labcorp Genetics (formerly Invitae), Labcorp
Classification: Uncertain significance for Periodic fever-infantile enterocolitis-autoinflammatory syndrome; Familial cold autoinflammatory syndrome 4. Last evaluated: 2025-02-17. Review status: criteria provided, single submitter. Criteria: Invitae Variant Classification Sherloc (09022015). Collection method: clinical testing. Allele origin: germline.
Comment: This sequence change replaces methionine, which is neutral and non-polar, with isoleucine, which is neutral and non-polar, at codon 235 of the NLRC4 protein (p.Met235Ile). This variant is not present in population databases (gnomAD no frequency). This variant has not been reported in the literature in individuals affected with NLRC4-related conditions. ClinVar contains an entry for this variant (Variation ID: 2061649). Invitae Evidence Modeling of protein sequence and biophysical properties (such as structural, functional, and spatial information, amino acid conservation, physicochemical variation, residue mobility, and thermodynamic stability) indicates that this missense variant is not expected to disrupt NLRC4 protein function with a negative predictive value of 80%. In summary, the available evidence is currently insufficient to determine the role of this variant in disease. Therefore, it has been classified as a Variant of Uncertain Significance.